The following is an entry in ClinVar:

NM_001142800.2(EYS):c.4066C>T (p.Arg1356Cys)

Gene: EYS (eyes shut homolog; minus strand). Cytogenetic location: 6q12.
Variant type: single nucleotide variant.
Coding change: c.4066C>T on transcript NM_001142800.2 (MANE Select); coding-DNA position 4066, C replaced by T.
Protein change: p.Arg1356Cys; replaces arginine 1356 with cysteine.
Molecular consequence: missense variant.
Genome position (GRCh38, 1-based): chr6:64,591,801, G>A on the plus strand (C>T on the coding strand, the complement: EYS is on the minus strand). VCF-style: chr6-64591801-G-A. GRCh37 (hg19) VCF-style: chr6-65301694-G-A.
Other names: c.4066C>T, p.Arg1356Cys (NM_001292009.2); c.4066C>T (NM_001142800.1); short protein forms R1356C.
Identifiers: ClinVar variation 1962640 (VCV001962640.3), dbSNP rs1160349210, ClinGen allele CA364784116.

ClinVar aggregate classification (germline): Uncertain significance. Review status: criteria provided, multiple submitters, no conflicts (2 of 4 stars). 2 submissions from 2 submitters: Uncertain significance (2). Last evaluated 2024-02-28.

Conditions:
Inborn genetic diseases. Identifiers: MedGen C0950123, MeSH D030342.

Allele frequency attached by ClinVar (database versions not stated): gnomAD exomes below 0.00001.
gnomAD v4.1: 4 of 1,551,238 alleles (0.00026%); highest among the groups gnomAD compares: South Asian, 0.0012%; no homozygotes.

Submissions (2):

Ambry Genetics
Classification: Uncertain significance for Inborn genetic diseases. Last evaluated: 2024-02-28. Review status: criteria provided, single submitter. Criteria: Ambry Variant Classification Scheme 2023. Collection method: clinical testing. Allele origin: germline.

Labcorp Genetics (formerly Invitae), Labcorp
Classification: Uncertain significance. Last evaluated: 2022-08-06. Review status: criteria provided, single submitter. Criteria: Invitae Variant Classification Sherloc (09022015). Collection method: clinical testing. Allele origin: germline.
Comment: This sequence change replaces arginine, which is basic and polar, with cysteine, which is neutral and slightly polar, at codon 1356 of the EYS protein (p.Arg1356Cys). This variant is present in population databases (no rsID available, gnomAD 0.004%). This variant has not been reported in the literature in individuals affected with EYS-related conditions. Algorithms developed to predict the effect of missense changes on protein structure and function (SIFT, PolyPhen-2, Align-GVGD) all suggest that this variant is likely to be tolerated. In summary, the available evidence is currently insufficient to determine the role of this variant in disease. Therefore, it has been classified as a Variant of Uncertain Significance.